The following is an entry in ClinVar:

ClinVar aggregate classification (germline): Benign (1 of 4 stars; one submission).

gnomAD v4.1: 14,250 of 1,614,156 alleles (0.88%); highest among the groups gnomAD compares: Admixed American, 1%; 90 homozygotes.

Submission:

CeGaT Center for Human Genetics Tuebingen
Classification: Benign. Last evaluated: 2025-10-01. Review status: criteria provided, single submitter. Criteria: CeGaT Center For Human Genetics Tuebingen Variant Classification Criteria Version 2. Collection method: clinical testing. Allele origin: germline. Affected: yes. Observed: 2 variant alleles.
Comment: GPR21: BP4, BP7, BS1, BS2

NM_005294.3(GPR21):c.648C>T (p.Arg216=)

Genes: GPR21 (G protein-coupled receptor 21; plus strand), RABGAP1 (RAB GTPase activating protein 1; plus strand). Cytogenetic location: 9q33.2.
Variant type: single nucleotide variant.
Coding change: c.648C>T on transcript NM_005294.3 (MANE Select); coding-DNA position 648, C replaced by T.
Protein change: p.Arg216=; no amino-acid change (arginine 216 retained).
Molecular consequence: synonymous variant. On other transcripts: intron variant (1).
Genome position (GRCh38, 1-based): chr9:123,035,214, C>T. VCF-style: chr9-123035214-C-T. GRCh37 (hg19) VCF-style: chr9-125797493-C-T.
Other names: c.1794+14755C>T (NM_012197.4).
Identifiers: ClinVar variation 4533502 (VCV004533502.6).